The following is an entry in ClinVar:

NM_001243133.2(NLRP3):c.300G>A (p.Ser100=)

Gene: NLRP3 (NLR family pyrin domain containing 3; plus strand). Cytogenetic location: 1q44.
Variant type: single nucleotide variant.
Coding change: c.300G>A on transcript NM_001243133.2 (MANE Select); coding-DNA position 300, G replaced by A.
Protein change: p.Ser100=; no amino-acid change (serine 100 retained).
Molecular consequence: synonymous variant.
Genome position (GRCh38, 1-based): chr1:247,423,252, G>A. VCF-style: chr1-247423252-G-A. GRCh37 (hg19) VCF-style: chr1-247586554-G-A.
Other names: p.S102S:TCG>TCA; c.300G>A, p.Ser100= (NM_001079821.3, NM_001127461.3, NM_001127462.3 and 1 more transcripts); c.306G>A, p.Ser102= (NM_004895.5).
Identifiers: ClinVar variation 69168 (VCV000069168.23), dbSNP rs149161277, ClinGen allele CA292549.

ClinVar aggregate classification (germline): Benign/Likely benign. Review status: criteria provided, multiple submitters, no conflicts (2 of 4 stars). 8 submissions from 8 submitters: Benign (6); Likely benign (2). Last evaluated 2026-06-01.

Conditions:
Cryopyrin associated periodic syndrome (CAPS). Identifiers: Orphanet 208650, MedGen C2316212, MONDO:0016168.

Allele frequency attached by ClinVar (database versions not stated): gnomAD 0.00021; TOPMed 0.00045; ExAC 0.00072; gnomAD exomes 0.00101.
gnomAD v4.1: 328 of 1,611,176 alleles (0.02%); highest among the groups gnomAD compares: Admixed American, 0.5%; 1 homozygote.

Submissions (8):

CeGaT Center for Human Genetics Tuebingen
Classification: Likely benign. Last evaluated: 2026-06-01. Review status: criteria provided, single submitter. Criteria: CeGaT Center For Human Genetics Tuebingen Variant Classification Criteria Version 2. Collection method: clinical testing. Allele origin: germline. Affected: yes. Observed: 2 variant alleles.
Comment: NLRP3: BP4, BP7, BS1

Women's Health and Genetics/Laboratory Corporation of America, LabCorp
Classification: Benign. Last evaluated: 2026-04-06. Review status: criteria provided, single submitter. Criteria: LabCorp Variant Classification Summary - May 2015. Collection method: clinical testing. Allele origin: germline.

Labcorp Genetics (formerly Invitae), Labcorp
Classification: Benign for Cryopyrin associated periodic syndrome. Last evaluated: 2026-01-12. Review status: criteria provided, single submitter. Criteria: Invitae Variant Classification Sherloc (09022015). Collection method: clinical testing. Allele origin: germline.

Blueprint Genetics
Classification: Likely benign. Last evaluated: 2021-06-26. Review status: criteria provided, single submitter. Criteria: ACMG Guidelines, 2015. Collection method: clinical testing. Allele origin: germline.

Athena Diagnostics
Classification: Benign. Last evaluated: 2021-05-24. Review status: criteria provided, single submitter. Criteria: Athena Diagnostics criteria. Collection method: clinical testing. Allele origin: unknown.

Laboratory for Molecular Medicine, Mass General Brigham Personalized Medicine
Classification: Benign. Last evaluated: 2017-08-23. Review status: criteria provided, single submitter. Criteria: LMM Criteria. Collection method: clinical testing. Allele origin: germline. Observed: 1 variant allele.
Comment: p.Ser102Ser in exon 4 of NLRP3: This variant is not expected to have clinical si gnificance because it does not alter an amino acid residue, is not located withi n the splice consensus sequence, and has been identified in 0.73% (85/11578) of Latino chromosomes by the Exome Aggregation Consortium (ExAC; dbSNP rs149161277).

GeneDx
Classification: Benign. Last evaluated: 2013-04-17. Review status: criteria provided, single submitter. Criteria: GeneDx Variant Classification (06012015). Collection method: clinical testing. Allele origin: germline. Affected: yes.
Comment: This variant is considered likely benign or benign based on one or more of the following criteria: it is a conservative change, it occurs at a poorly conserved position in the protein, it is predicted to be benign by multiple in silico algorithms, and/or has population frequency not consistent with disease.

Breakthrough Genomics
Classification: Benign. Review status: criteria provided, single submitter. Criteria: ACMG Guidelines, 2015. Collection method: not provided. Allele origin: germline. Inheritance: Autosomal dominant inheritance. Affected: yes.